The following is an entry in ClinVar:

NM_000059.4(BRCA2):c.4541A>G (p.Glu1514Gly)

Gene: BRCA2 (BRCA2 DNA repair associated; plus strand). Cytogenetic location: 13q13.1.
Variant type: single nucleotide variant.
Coding change: c.4541A>G on transcript NM_000059.4 (MANE Select); coding-DNA position 4541, A replaced by G.
Protein change: p.Glu1514Gly; replaces glutamic acid 1514 with glycine.
Molecular consequence: missense variant. On other transcripts: non-coding transcript variant (1), intron variant (2).
Genome position (GRCh38, 1-based): chr13:32,338,896, A>G. VCF-style: chr13-32338896-A-G. GRCh37 (hg19) VCF-style: chr13-32913033-A-G.
Other names: c.4541A>G, p.Glu1514Gly (NM_001406720.1, NM_001432077.1, NM_001406719.1); c.1909+5509A>G (NM_001406721.1); c.425-5662A>G (NM_001406722.1); short protein forms E1514G.
Identifiers: ClinVar variation 3636477 (VCV003636477.2).
Genomic context (GRCh38, chr13:32,338,896, plus strand): 5'-GTGTCCCAGTTGGTACTGGAAATCAACTAGTGACCTTCCAGGGACAACCCGAACGTGATG[A>G]AAAGATCAAAGAACCTACTCTATTGGGTTTTCATACAGCTAGCGGGAAAAAAGTTAAAAT-3'
Protein context (NP_000050.3, residues 1504-1524): VTFQGQPERD[Glu1514Gly]KIKEPTLLGF

ClinVar aggregate classification (germline): Uncertain significance (1 of 4 stars; one submission).

Conditions:
Hereditary breast ovarian cancer syndrome. Also called: Hereditary breast and ovarian cancer syndrome; Hereditary breast and ovarian cancer syndrome (HBOC); BRCA1- and BRCA2-Associated Hereditary Breast and Ovarian Cancer; Hereditary breast and ovarian cancer; Breast and ovarian cancer; Hereditary breast and/or ovarian cancer syndrome. Identifiers: Orphanet 145, MedGen C0677776, MeSH D061325, MONDO:0003582. Disease mechanism: loss of function.

Submission:

Labcorp Genetics (formerly Invitae), Labcorp
Classification: Uncertain significance for Hereditary breast ovarian cancer syndrome. Last evaluated: 2024-02-14. Review status: criteria provided, single submitter. Criteria: Invitae Variant Classification Sherloc (09022015). Collection method: clinical testing. Allele origin: germline.
Comment: This sequence change replaces glutamic acid, which is acidic and polar, with glycine, which is neutral and non-polar, at codon 1514 of the BRCA2 protein (p.Glu1514Gly). This variant is not present in population databases (gnomAD no frequency). This variant has not been reported in the literature in individuals affected with BRCA2-related conditions. Advanced modeling of protein sequence and biophysical properties (such as structural, functional, and spatial information, amino acid conservation, physicochemical variation, residue mobility, and thermodynamic stability) performed at Invitae indicates that this missense variant is not expected to disrupt BRCA2 protein function with a negative predictive value of 95%. In summary, the available evidence is currently insufficient to determine the role of this variant in disease. Therefore, it has been classified as a Variant of Uncertain Significance.